The following is an entry in ClinVar:

NM_001130004.2(ACTN1):c.631_651del (p.Val211_Asp217del)

Gene: ACTN1 (actinin alpha 1; minus strand). Cytogenetic location: 14q24.1.
Variant type: Deletion.
Coding change: c.631_651del on transcript NM_001130004.2 (MANE Select); coding-DNA positions 631 to 651, 21 bases deleted (GTGGCAGAGAAGTACCTGGAC).
Protein change: p.Val211_Asp217del.
Molecular consequence: inframe deletion. On other transcripts: inframe indel (3).
Genome position (GRCh38, 1-based): chr14:68,904,680-68,904,700, GTCCAGGTACTTCTCTGCCAC deleted on the plus strand (GTGGCAGAGAAGTACCTGGAC on the coding strand, the reverse complement: ACTN1 is on the minus strand); deleting any 21 consecutive bases within chr14:68,904,680-68,904,703 gives the same sequence; the c. name uses the placement nearest the transcript's 3' end. VCF-style (leftmost placement, unchanged base first): chr14-68904679-TGTCCAGGTACTTCTCTGCCAC-T. GRCh37 (hg19) VCF-style: chr14-69371396-TGTCCAGGTACTTCTCTGCCAC-T.
Other names: c.631_651del, p.Val211_Asp217del (NM_001102.4, NM_001130005.2); c.628_648del21, p.Val211_Asp217del (NM_001130004.1, NM_001411035.1); c.433_453del21, p.Val146_Asp152del (NM_001411036.1).
Identifiers: ClinVar variation 1805114 (VCV001805114.1), dbSNP rs2503744384, ClinGen allele CA2573050693.
Genomic context (GRCh38, chr14:68,904,679, plus strand): 5'-GATGGGCAAGAGACACAGAAGGAAAGCGCCTTTCACCTTCGGCATCCAGCATCTTGGGGA[TGTCCAGGTACTTCTCTGCCAC>T]GTCAAAAGCCGTATTCAGATTTGTGAGTGGATCATCCTAGAGGGAGAAAAGGAGGAAGGG-3'

ClinVar aggregate classification (germline): Uncertain significance (1 of 4 stars; one submission).

Conditions:
Platelet-type bleeding disorder 15 (BDPLT15). Also called: MACROTHROMBOCYTOPENIA, AUTOSOMAL DOMINANT, ACTN1-RELATED. Identifiers: Orphanet 140957, MedGen C3554663, MONDO:0014078, OMIM 615193.

Submission:

Victorian Clinical Genetics Services, Murdoch Childrens Research Institute
Classification: Uncertain significance for Platelet-type bleeding disorder 15. Last evaluated: 2022-03-31. Review status: criteria provided, single submitter. Criteria: ACMG Guidelines, 2015. Collection method: clinical testing. Allele origin: germline. Inheritance: Autosomal dominant inheritance.
Comment: Based on the classification scheme VCGS_Germline_v1.3.4, this variant is classified as VUS-3B. Following criteria are met: 0103 - Loss of function (LoF) and gain of function (GoF) are reported mechanisms of disease in this gene and are associated with congenital macrothrombocytopenia (MIM#615193). LoF and GoF have been reported for missense variants, while the mechanism of disease for null variants is unclear (PMIDs: 23434115, 30351444, 26879394, 31365757). (I) 0107 - This gene is associated with autosomal dominant disease. (I) 0213 - In-frame deletion in a non-repetitive region that has high conservation. (SP) 0251 - This variant is heterozygous. (I) 0301 - Variant is absent from gnomAD (both v2 and v3). (SP) 0601 - Variant is located in the well-established functional CH2 domain. The CH2 domain binds in tandem with CH1 to form the actin binding domain in ACTN1 and facilitates high affinity binding to F-actin (DECIPHER, PMID: 32478077). (SP) 0705 - No comparable in-frame deletion variants have previous evidence for pathogenicity. (I) 0807 - This variant has no previous evidence of pathogenicity. (I) 0905 - No published segregation evidence has been identified for this variant. (I) 1007 - No published functional evidence has been identified for this variant. (I) 1208 - Inheritance information for this variant is not currently available in this individual. (I) Legend: (SP) - Supporting pathogenic, (I) - Information, (SB) - Supporting benign

Literature cited by the submitters: PubMed 23434115; PubMed 26879394; PubMed 30351444; PubMed 31365757; PubMed 32478077.